The following is an entry in ClinVar:

ClinVar aggregate classification (germline): Pathogenic (1 of 4 stars; one submission).

Conditions:
Shprintzen-Goldberg syndrome (SGS). Also called: Marfanoid disorder with craniosynostosis type 1; Marfanoid craniosynostosis syndrome; Shprintzen-Goldberg marfanoid syndrome; SHPRINTZEN-GOLDBERG CRANIOSYNOSTOSIS SYNDROME; CRANIOSYNOSTOSIS WITH ARACHNODACTYLY AND ABDOMINAL HERNIAS. Identifiers: Orphanet 2462, MedGen C1321551, MONDO:0008426, OMIM 182212.

Submission:

Labcorp Genetics (formerly Invitae), Labcorp
Classification: Pathogenic for Shprintzen-Goldberg syndrome. Last evaluated: 2022-03-14. Review status: criteria provided, single submitter. Criteria: Invitae Variant Classification Sherloc (09022015). Collection method: clinical testing. Allele origin: germline.
Comment: This missense change has been observed in individual(s) with clinical features of Shprintzen-Goldberg Syndrome (PMID: 24736733; Invitae). In at least one individual the variant was observed to be de novo. Algorithms developed to predict the effect of missense changes on protein structure and function (SIFT, PolyPhen-2, Align-GVGD) all suggest that this variant is likely to be tolerated. Experimental studies have shown that this missense change affects SKI function (PMID: 33416497). For these reasons, this variant has been classified as Pathogenic. This variant is not present in population databases (gnomAD no frequency). This sequence change replaces serine, which is neutral and polar, with threonine, which is neutral and polar, at codon 28 of the SKI protein (p.Ser28Thr).

Literature cited by the submitters: PubMed 24736733; PubMed 33416497.

NM_003036.4(SKI):c.82T>A (p.Ser28Thr)

Gene: SKI (SKI proto-oncogene; plus strand). Cytogenetic location: 1p36.33.
Variant type: single nucleotide variant.
Coding change: c.82T>A on transcript NM_003036.4 (MANE Select); coding-DNA position 82, T replaced by A.
Protein change: p.Ser28Thr; replaces serine 28 with threonine.
Molecular consequence: missense variant.
Genome position (GRCh38, 1-based): chr1:2,228,848, T>A. VCF-style: chr1-2228848-T-A. GRCh37 (hg19) VCF-style: chr1-2160287-T-A.
Other names: short protein forms S28T.
Identifiers: ClinVar variation 2202692 (VCV002202692.4), dbSNP rs2527575471, ClinGen allele CA337952052.
Genomic context (GRCh38, chr1:2,228,848, plus strand): 5'-CGCGGCTGTTTCCAGCCGCACCCGGGGCTGCAGAAGACGCTGGAGCAGTTCCACCTGAGC[T>A]CCATGAGCTCGCTGGGCGGCCCGGCCGCTTTCTCGGCGCGCTGGGCGCAGGAGGCCTACA-3'
Protein context (NP_003027.1, residues 18-38): QKTLEQFHLS[Ser28Thr]MSSLGGPAAF